The following is an entry in ClinVar:

ClinVar aggregate classification (germline): Uncertain significance (1 of 4 stars; one submission).

gnomAD v4.1: 3 of 1,613,936 alleles (0.00019%); highest among the groups gnomAD compares: Non-Finnish European, 0.00025%; no homozygotes.

Submission:

Labcorp Genetics (formerly Invitae), Labcorp
Classification: Uncertain significance. Last evaluated: 2024-06-24. Review status: criteria provided, single submitter. Criteria: Invitae Variant Classification Sherloc (09022015). Collection method: clinical testing. Allele origin: germline.
Comment: This sequence change replaces valine, which is neutral and non-polar, with methionine, which is neutral and non-polar, at codon 407 of the PNLIP protein (p.Val407Met). This variant is not present in population databases (gnomAD no frequency). This variant has not been reported in the literature in individuals affected with PNLIP-related conditions. ClinVar contains an entry for this variant (Variation ID: 2083649). Advanced modeling of protein sequence and biophysical properties (such as structural, functional, and spatial information, amino acid conservation, physicochemical variation, residue mobility, and thermodynamic stability) performed at Invitae indicates that this missense variant is not expected to disrupt PNLIP protein function with a negative predictive value of 80%. In summary, the available evidence is currently insufficient to determine the role of this variant in disease. Therefore, it has been classified as a Variant of Uncertain Significance.

NM_000936.4(PNLIP):c.1219G>A (p.Val407Met)

Gene: PNLIP (pancreatic lipase; plus strand). Cytogenetic location: 10q25.3.
Variant type: single nucleotide variant.
Coding change: c.1219G>A on transcript NM_000936.4 (MANE Select); coding-DNA position 1219, G replaced by A.
Protein change: p.Val407Met; replaces valine 407 with methionine.
Molecular consequence: missense variant.
Genome position (GRCh38, 1-based): chr10:116,561,521, G>A. VCF-style: chr10-116561521-G-A. GRCh37 (hg19) VCF-style: chr10-118321033-G-A.
Other names: short protein forms V407M.
Identifiers: ClinVar variation 2083649 (VCV002083649.3), dbSNP rs2493064316, ClinGen allele CA378498213.